The following is an entry in ClinVar:

ClinVar aggregate classification (germline): Pathogenic (1 of 4 stars; one submission).

Submission:

Labcorp Genetics (formerly Invitae), Labcorp
Classification: Pathogenic. Last evaluated: 2023-11-13. Review status: criteria provided, single submitter. Criteria: Invitae Variant Classification Sherloc (09022015). Collection method: clinical testing. Allele origin: germline.
Comment: This sequence change creates a premature translational stop signal (p.Tyr937Leufs*3) in the POLE gene. It is expected to result in an absent or disrupted protein product. Loss-of-function variants in POLE are known to be pathogenic (PMID: 23230001, 25948378, 30503519). This variant is not present in population databases (gnomAD no frequency). This variant has not been reported in the literature in individuals affected with POLE-related conditions. For these reasons, this variant has been classified as Pathogenic.

Literature cited by the submitters: PubMed 23230001; PubMed 25948378; PubMed 30503519.

NM_006231.4(POLE):c.2810_2813del (p.Tyr937fs)

Gene: POLE (DNA polymerase epsilon, catalytic subunit; minus strand). Cytogenetic location: 12q24.33.
Variant type: Deletion.
Coding change: c.2810_2813del on transcript NM_006231.4 (MANE Select); coding-DNA positions 2810 to 2813, 4 bases deleted (ACCT; older notation c.2810_2813delACCT).
Protein change: p.Tyr937fs; shifts the reading frame from tyrosine 937.
Molecular consequence: frameshift variant.
Genome position (GRCh38, 1-based): chr12:132,661,578-132,661,581, AGGT deleted on the plus strand (ACCT on the coding strand, the reverse complement: POLE is on the minus strand); deleting any 4 consecutive bases within chr12:132,661,578-132,661,584 gives the same sequence; the c. name uses the placement nearest the transcript's 3' end. VCF-style (leftmost placement, unchanged base first): chr12-132661577-AAGGT-A. GRCh37 (hg19) VCF-style: chr12-133238163-AAGGT-A.
Other names: short protein forms Y937fs.
Identifiers: ClinVar variation 2695456 (VCV002695456.3), dbSNP rs2542046751, ClinGen allele CA2622056749.